The following is an entry in ClinVar:

NM_001253697.2(ERBIN):c.3314T>G (p.Leu1105Ter)

Gene: ERBIN (erbb2 interacting protein; plus strand). Cytogenetic location: 5q12.3.
Variant type: single nucleotide variant.
Coding change: c.3314T>G on transcript NM_001253697.2 (MANE Select); coding-DNA position 3314, T replaced by G.
Protein change: p.Leu1105Ter; replaces leucine 1105 with a stop codon.
Molecular consequence: nonsense.
Genome position (GRCh38, 1-based): chr5:66,054,632, T>G. VCF-style: chr5-66054632-T-G. GRCh37 (hg19) VCF-style: chr5-65350460-T-G.
Other names: c.3314T>G, p.Leu1105Ter (NM_001006600.3, NM_001253698.2, NM_001253699.2 and 1 more transcripts); c.3302T>G, p.Leu1101Ter (NM_001253701.2); short protein forms L1101*, L1105*.
Identifiers: ClinVar variation 4720856 (VCV004720856.1).

ClinVar aggregate classification (germline): Uncertain significance (1 of 4 stars; one submission).

gnomAD v4.1: 1 of 1,614,168 alleles (0.000062%); highest among the groups gnomAD compares: Non-Finnish European, 0.000085%; no homozygotes.

Submission:

Labcorp Genetics (formerly Invitae), Labcorp
Classification: Uncertain significance. Last evaluated: 2025-06-06. Review status: criteria provided, single submitter. Criteria: Invitae Variant Classification Sherloc (09022015). Collection method: clinical testing. Allele origin: germline.
Comment: This sequence change creates a premature translational stop signal (p.Leu1105*) in the ERBIN gene. It is expected to result in an absent or disrupted protein product. However, the current clinical and genetic evidence is not sufficient to establish whether loss-of-function variants in ERBIN cause disease. This variant is present in population databases (no rsID available, gnomAD 0.0009%). This variant has not been reported in the literature in individuals affected with ERBIN-related conditions. In summary, the available evidence is currently insufficient to determine the role of this variant in disease. Therefore, it has been classified as a Variant of Uncertain Significance.